The following is an entry in ClinVar:

ClinVar aggregate classification (germline): Likely benign. Review status: criteria provided, multiple submitters, no conflicts (2 of 4 stars). 2 submissions from 2 submitters: Likely benign (2). Last evaluated 2025-10-02.

Conditions:
Fanconi anemia (FA). Also called: Fanconi's anemia. Identifiers: Orphanet 84, MedGen C0015625, MeSH D005199, MONDO:0019391.

Allele frequency attached by ClinVar (database versions not stated): gnomAD exomes below 0.00001 and 0.00001; TOPMed below 0.00001; ExAC 0.00002.
gnomAD v4.1: 3 of 1,606,892 alleles (0.00019%); highest among the groups gnomAD compares: Non-Finnish European, 0.00026%; no homozygotes.

Submissions (2):

Labcorp Genetics (formerly Invitae), Labcorp
Classification: Likely benign for Fanconi anemia. Last evaluated: 2025-10-02. Review status: criteria provided, single submitter. Criteria: Invitae Variant Classification Sherloc (09022015). Collection method: clinical testing. Allele origin: germline.

GeneDx
Classification: Likely benign. Last evaluated: 2016-08-18. Review status: criteria provided, single submitter. Criteria: GeneDx Variant Classification (06012015). Collection method: clinical testing. Allele origin: germline. Affected: yes.
Comment: This variant is considered likely benign or benign based on one or more of the following criteria: it is a conservative change, it occurs at a poorly conserved position in the protein, it is predicted to be benign by multiple in silico algorithms, and/or has population frequency not consistent with disease.

NM_000136.3(FANCC):c.996+12C>A

Genes: AOPEP (aminopeptidase O (putative); plus strand), FANCC (FA complementation group C; minus strand). Cytogenetic location: 9q22.32.
Variant type: single nucleotide variant.
Coding change: c.996+12C>A on transcript NM_000136.3 (MANE Select); 12 bases into the intron after coding-DNA position 996, C replaced by A.
Molecular consequence: intron variant.
Genome position (GRCh38, 1-based): chr9:95,125,074, G>T on the plus strand (C>A on the coding strand, the complement: FANCC is on the minus strand). VCF-style: chr9-95125074-G-T. GRCh37 (hg19) VCF-style: chr9-97887356-G-T.
Other names: c.996+12C>A (NM_001243743.2, NM_001243744.2).
Identifiers: ClinVar variation 388714 (VCV000388714.2), dbSNP rs764979509, ClinGen allele CA5137566.
Genomic context (GRCh38, chr9:95,125,074, plus strand): 5'-CTCTTGTCCAAAATACTCTCAACAGCGTCTTATTCTCTGGGATGAATGAGTAATATATGT[G>T]ATATAACAAACCTGCTTGCTTGCTTTCTCCAGAGCTTCTACAAAGCACTGCGTAAACACC-3'